The following is an entry in ClinVar:

ClinVar aggregate classification (germline): Likely benign (1 of 4 stars; one submission).

Conditions:
SIM1-related disorder. Also called: SIM1-related disorders; SIM1-related condition.

gnomAD v4.1: 3 of 1,614,106 alleles (0.00019%); highest among the groups gnomAD compares: Non-Finnish European, 0.00025%; no homozygotes.

Submission:

PreventionGenetics, part of Exact Sciences
Classification: Likely benign for SIM1-related condition. Last evaluated: 2025-08-20. Review status: criteria provided, single submitter. Criteria: ACMG Guidelines, 2015. Collection method: clinical testing. Allele origin: germline.
Comment: This variant is classified as likely benign based on ACMG/AMP sequence variant interpretation guidelines (Richards et al. 2015 PMID: 25741868, with internal and published modifications).

NM_005068.3(SIM1):c.855G>A (p.Leu285=)

Gene: SIM1 (SIM bHLH transcription factor 1; minus strand). Cytogenetic location: 6q16.3.
Variant type: single nucleotide variant.
Coding change: c.855G>A on transcript NM_005068.3 (MANE Select); coding-DNA position 855, G replaced by A.
Protein change: p.Leu285=; no amino-acid change (leucine 285 retained).
Molecular consequence: synonymous variant.
Genome position (GRCh38, 1-based): chr6:100,447,411, C>T on the plus strand (G>A on the coding strand, the complement: SIM1 is on the minus strand). VCF-style: chr6-100447411-C-T. GRCh37 (hg19) VCF-style: chr6-100895287-C-T.
Other names: c.855G>A, p.Leu285= (NM_001374769.1).
Identifiers: ClinVar variation 4980692 (VCV004980692.1).